The following is an entry in ClinVar:

ClinVar aggregate classification (germline): Uncertain significance. Review status: criteria provided, multiple submitters, no conflicts (2 of 4 stars). 3 submissions from 3 submitters: Uncertain significance (3). Last evaluated 2025-06-01.

Conditions:
Complex neurodevelopmental disorder. Identifiers: Orphanet 528084, MedGen C5568766, MONDO:0100038.
Cardiovascular phenotype. Identifiers: MedGen CN230736.
Long QT syndrome (LQTS). Identifiers: MedGen C0023976, MeSH D008133, MONDO:0002442. Disease mechanism: loss of function. Inheritance: Various modes of inheritance.

Allele frequency attached by ClinVar (database versions not stated): TOPMed below 0.00001; gnomAD 0.00001.
gnomAD v4.1: 1 of 1,613,896 alleles (0.000062%); highest among the groups gnomAD compares: Non-Finnish European, 0.000085%; no homozygotes.

Submissions (3):

Ambry Genetics
Classification: Uncertain significance for Cardiovascular phenotype. Last evaluated: 2025-06-01. Review status: criteria provided, single submitter. Criteria: Ambry Variant Classification Scheme 2023. Collection method: clinical testing. Allele origin: germline.
Comment: The p.A2754V variant (also known as c.8261C>T), located in coding exon 38 of the ANK2 gene, results from a C to T substitution at nucleotide position 8261. The alanine at codon 2754 is replaced by valine, an amino acid with similar properties. This amino acid position is conserved. In addition, this alteration is predicted to be tolerated by in silico analysis. Based on the available evidence, the clinical significance of this variant remains unclear.

Helix
Classification: Uncertain significance for Complex neurodevelopmental disorder. Last evaluated: 2024-12-09. Review status: criteria provided, single submitter. Criteria: ACMG Guidelines, 2015. Collection method: clinical testing. Allele origin: germline. Inheritance: Autosomal dominant inheritance.
Comment: This variant (NM_001148.6:c.8261C>T p.Ala2754Val) results in the substitution of alanine with valine at codon 2754 in the ANK2 protein. It is a rare variant that is absent from the large gnomAD population database (PMID: 32461654). To our knowledge, this variant has not been reported in individuals affected with ANK2-related conditions. In silico prediction from REVEL (PMID: 27666373) suggests that this variant may be benign. This variant is present in ClinVar (Accession: VCV000238592.3). In conclusion, since the available evidence is limited, the clinical significance of this variant is unclear at this time. Therefore, it is classified as a Variant of Uncertain Significance.

Labcorp Genetics (formerly Invitae), Labcorp
Classification: Uncertain significance for Long QT syndrome. Last evaluated: 2024-06-04. Review status: criteria provided, single submitter. Criteria: Invitae Variant Classification Sherloc (09022015). Collection method: clinical testing. Allele origin: germline.
Comment: This sequence change replaces alanine, which is neutral and non-polar, with valine, which is neutral and non-polar, at codon 2754 of the ANK2 protein (p.Ala2754Val). This variant is not present in population databases (gnomAD no frequency). This variant has not been reported in the literature in individuals affected with ANK2-related conditions. ClinVar contains an entry for this variant (Variation ID: 238592). An algorithm developed to predict the effect of missense changes on protein structure and function (PolyPhen-2) suggests that this variant is likely to be tolerated. In summary, the available evidence is currently insufficient to determine the role of this variant in disease. Therefore, it has been classified as a Variant of Uncertain Significance.

NM_001148.6(ANK2):c.8261C>T (p.Ala2754Val)

Gene: ANK2 (ankyrin 2; plus strand). Cytogenetic location: 4q26.
Variant type: single nucleotide variant.
Coding change: c.8261C>T on transcript NM_001148.6 (MANE Select); coding-DNA position 8261, C replaced by T.
Protein change: p.Ala2754Val; replaces alanine 2754 with valine.
Molecular consequence: missense variant. On other transcripts: intron variant (68).
Genome position (GRCh38, 1-based): chr4:113,356,879, C>T. VCF-style: chr4-113356879-C-T. GRCh37 (hg19) VCF-style: chr4-114278035-C-T.
Other names: c.8027C>T, p.Ala2676Val (NM_001386142.1); c.4661C>T, p.Ala1554Val (NM_001386166.1); c.8402C>T, p.Ala2801Val (NM_001386174.1); c.8378C>T, p.Ala2793Val (NM_001386175.1); c.4412-3944C>T (NM_001386186.2, NM_001386148.2); c.4214-3944C>T (NM_001354269.3); c.4292-3944C>T (NM_001386187.2); c.4253-3944C>T (NM_001386147.1); and 35 more; short protein forms A2754V, A1554V, A2676V, A2793V, A2801V.
Identifiers: ClinVar variation 238592 (VCV000238592.6), dbSNP rs878854261, ClinGen allele CA10582210.